The following is an entry in ClinVar:

ClinVar aggregate classification (germline): Uncertain significance. Review status: criteria provided, multiple submitters, no conflicts (2 of 4 stars). 2 submissions from 2 submitters: Uncertain significance (2). Last evaluated 2023-12-19.

Conditions:
Autosomal recessive limb-girdle muscular dystrophy type R18 (LGMDR18). Also called: MUSCULAR DYSTROPHY, LIMB-GIRDLE, AUTOSOMAL RECESSIVE 18; Autosomal recessive limb-girdle muscular dystrophy type 2S; Limb-girdle muscular dystrophy, type 2S. Identifiers: Orphanet 369840, MedGen C4517996, MONDO:0014144, OMIM 615356.
Inborn genetic diseases. Identifiers: MedGen C0950123, MeSH D030342.

Allele frequency attached by ClinVar (database versions not stated): TOPMed below 0.00001; ExAC 0.00001; gnomAD 0.00001.
gnomAD v4.1: 6 of 1,598,906 alleles (0.00038%); highest among the groups gnomAD compares: Non-Finnish European, 0.00051%; no homozygotes.

Submissions (2):

Ambry Genetics
Classification: Uncertain significance for Inborn genetic diseases. Last evaluated: 2023-12-19. Review status: criteria provided, single submitter. Criteria: Ambry Variant Classification Scheme 2023. Collection method: clinical testing. Allele origin: germline.

Labcorp Genetics (formerly Invitae), Labcorp
Classification: Uncertain significance for Autosomal recessive limb-girdle muscular dystrophy type R18. Last evaluated: 2023-07-03. Review status: criteria provided, single submitter. Criteria: Invitae Variant Classification Sherloc (09022015). Collection method: clinical testing. Allele origin: germline.
Comment: In summary, the available evidence is currently insufficient to determine the role of this variant in disease. Therefore, it has been classified as a Variant of Uncertain Significance. Advanced modeling of protein sequence and biophysical properties (such as structural, functional, and spatial information, amino acid conservation, physicochemical variation, residue mobility, and thermodynamic stability) performed at Invitae indicates that this missense variant is expected to disrupt TRAPPC11 protein function. ClinVar contains an entry for this variant (Variation ID: 1943459). This variant has not been reported in the literature in individuals affected with TRAPPC11-related conditions. This variant is present in population databases (rs759812768, gnomAD 0.0009%). This sequence change replaces tyrosine, which is neutral and polar, with phenylalanine, which is neutral and non-polar, at codon 184 of the TRAPPC11 protein (p.Tyr184Phe).

NM_021942.6(TRAPPC11):c.551A>T (p.Tyr184Phe)

Gene: TRAPPC11 (trafficking protein particle complex subunit 11; plus strand). Cytogenetic location: 4q35.1.
Variant type: single nucleotide variant.
Coding change: c.551A>T on transcript NM_021942.6 (MANE Select); coding-DNA position 551, A replaced by T.
Protein change: p.Tyr184Phe; replaces tyrosine 184 with phenylalanine.
Molecular consequence: missense variant.
Genome position (GRCh38, 1-based): chr4:183,668,108, A>T. VCF-style: chr4-183668108-A-T. GRCh37 (hg19) VCF-style: chr4-184589261-A-T.
Other names: c.551A>T (NM_021942.4); c.551A>T, p.Tyr184Phe (NM_199053.3); short protein forms Y184F.
Identifiers: ClinVar variation 1943459 (VCV001943459.6), dbSNP rs759812768, ClinGen allele CA3151609.